The following is an entry in ClinVar:

NM_001365536.1(SCN9A):c.479C>G (p.Thr160Ser)

Gene: SCN9A (sodium voltage-gated channel alpha subunit 9; minus strand). Cytogenetic location: 2q24.3.
Variant type: single nucleotide variant.
Coding change: c.479C>G on transcript NM_001365536.1 (MANE Select); coding-DNA position 479, C replaced by G.
Protein change: p.Thr160Ser; replaces threonine 160 with serine.
Molecular consequence: missense variant.
Genome position (GRCh38, 1-based): chr2:166,305,909, G>C on the plus strand (C>G on the coding strand, the complement: SCN9A is on the minus strand). VCF-style: chr2-166305909-G-C. GRCh37 (hg19) VCF-style: chr2-167162419-G-C.
Other names: c.479C>G, p.Thr160Ser (NM_002977.4); short protein forms T160S.
Identifiers: ClinVar variation 651956 (VCV000651956.12), dbSNP rs1242250274, ClinGen allele CA349095260.

ClinVar aggregate classification (germline): Uncertain significance. Review status: criteria provided, multiple submitters, no conflicts (2 of 4 stars). 2 submissions from 2 submitters: Uncertain significance (2). Last evaluated 2025-03-20.

Conditions:
Inborn genetic diseases. Identifiers: MedGen C0950123, MeSH D030342.
Neuropathy, hereditary sensory and autonomic, type 2A (HSAN2A). Also called: MORVAN DISEASE; NEUROPATHY, CONGENITAL SENSORY; NEUROPATHY, HEREDITARY SENSORY RADICULAR, AUTOSOMAL RECESSIVE; NEUROPATHY, HEREDITARY SENSORY, TYPE IIA; NEUROPATHY, PROGRESSIVE SENSORY, OF CHILDREN; WNK1-Related HSAN2 (HSAN2A). Identifiers: Orphanet 970, MedGen C2752089, MONDO:0024309, OMIM 201300.
Generalized epilepsy with febrile seizures plus, type 7 (GEFSP7). Also called: GEFS+, TYPE 7. Identifiers: Orphanet 36387, MedGen C2751778, MONDO:0013470, OMIM 613863.

Allele frequency attached by ClinVar (database versions not stated): gnomAD exomes below 0.00001.
gnomAD v4.1: 2 of 1,612,762 alleles (0.00012%); highest among the groups gnomAD compares: Admixed American, 0.0033%; no homozygotes.

Submissions (2):

Labcorp Genetics (formerly Invitae), Labcorp
Classification: Uncertain significance for Neuropathy, hereditary sensory and autonomic, type 2A; Generalized epilepsy with febrile seizures plus, type 7. Last evaluated: 2025-03-20. Review status: criteria provided, single submitter. Criteria: Invitae Variant Classification Sherloc (09022015). Collection method: clinical testing. Allele origin: germline.
Comment: This sequence change replaces threonine, which is neutral and polar, with serine, which is neutral and polar, at codon 160 of the SCN9A protein (p.Thr160Ser). This variant is present in population databases (no rsID available, gnomAD 0.003%). This variant has not been reported in the literature in individuals affected with SCN9A-related conditions. ClinVar contains an entry for this variant (Variation ID: 651956). Invitae Evidence Modeling of protein sequence and biophysical properties (such as structural, functional, and spatial information, amino acid conservation, physicochemical variation, residue mobility, and thermodynamic stability) has been performed for this missense variant. However, the output from this modeling did not meet the statistical confidence thresholds required to predict the impact of this variant on SCN9A protein function. In summary, the available evidence is currently insufficient to determine the role of this variant in disease. Therefore, it has been classified as a Variant of Uncertain Significance.

Ambry Genetics
Classification: Uncertain significance for Inborn genetic diseases. Last evaluated: 2024-09-26. Review status: criteria provided, single submitter. Criteria: Ambry Variant Classification Scheme 2023. Collection method: clinical testing. Allele origin: germline.